The following is an entry in ClinVar:

NM_033305.3(VPS13A):c.2326C>T (p.Arg776Ter)

Gene: VPS13A (vacuolar protein sorting 13 homolog A; plus strand). Cytogenetic location: 9q21.2.
Variant type: single nucleotide variant.
Coding change: c.2326C>T on transcript NM_033305.3 (MANE Select); coding-DNA position 2326, C replaced by T.
Protein change: p.Arg776Ter; replaces arginine 776 with a stop codon.
Molecular consequence: nonsense.
Genome position (GRCh38, 1-based): chr9:77,260,123, C>T. VCF-style: chr9-77260123-C-T. GRCh37 (hg19) VCF-style: chr9-79875039-C-T.
Other names: c.2326C>T, p.Arg776Ter (NM_001018037.2, NM_001018038.3, NM_015186.4); short protein forms R776*.
Identifiers: ClinVar variation 1028512 (VCV001028512.6), dbSNP rs1417246536, ClinGen allele CA373852274.

ClinVar aggregate classification (germline): Pathogenic. Review status: criteria provided, multiple submitters, no conflicts (2 of 4 stars). 2 submissions from 2 submitters: Pathogenic (2). Last evaluated 2024-02-03.

Conditions:
VPS13A-related neurodegenerative disease. Also called: LEVINE-CRITCHLEY SYNDROME; Choreoacanthocytosis; ACANTHOCYTOSIS WITH NEUROLOGIC DISORDER; Chorea-acanthocytosis; Choreaacanthocytosis; VPS13A Disease. Identifiers: Orphanet 2388, MedGen C0393576, MONDO:0008695, OMIM 200150.

Allele frequency attached by ClinVar (database versions not stated): gnomAD 0.00001; TOPMed 0.00002.
gnomAD v4.1: 5 of 1,564,560 alleles (0.00032%); highest among the groups gnomAD compares: East Asian, 0.0045%; no homozygotes.

Submissions (2):

Labcorp Genetics (formerly Invitae), Labcorp
Classification: Pathogenic. Last evaluated: 2024-02-03. Review status: criteria provided, single submitter. Criteria: Invitae Variant Classification Sherloc (09022015). Collection method: clinical testing. Allele origin: germline.
Comment: This sequence change creates a premature translational stop signal (p.Arg776*) in the VPS13A gene. It is expected to result in an absent or disrupted protein product. Loss-of-function variants in VPS13A are known to be pathogenic (PMID: 12404112, 21598378). This variant is not present in population databases (gnomAD no frequency). This variant has not been reported in the literature in individuals affected with VPS13A-related conditions. ClinVar contains an entry for this variant (Variation ID: 1028512). Algorithms developed to predict the effect of sequence changes on RNA splicing suggest that this variant may create or strengthen a splice site. For these reasons, this variant has been classified as Pathogenic.

Baylor Genetics
Classification: Pathogenic for VPS13A-related neurodegenerative disease. Last evaluated: 2020-06-03. Review status: criteria provided, single submitter. Criteria: ACMG Guidelines, 2015. Collection method: clinical testing. Allele origin: unknown. Affected: yes.
Comment: This variant was determined to be pathogenic according to ACMG Guidelines, 2015 [PMID:25741868].

Literature cited by the submitters: PubMed 12404112 (cited by Labcorp Genetics (formerly Invitae), Labcorp); PubMed 21598378 (cited by Labcorp Genetics (formerly Invitae), Labcorp).